The following is an entry in ClinVar:

ClinVar aggregate classification (germline): Uncertain significance (1 of 4 stars; one submission).

Conditions:
Hypertrophic cardiomyopathy. Also called: HYPERTROPHIC MYOCARDIOPATHY. Identifiers: Orphanet 217569, MedGen C0007194, MeSH D002312, MONDO:0005045, HP:0001639.

Submission:

Labcorp Genetics (formerly Invitae), Labcorp
Classification: Uncertain significance for Hypertrophic cardiomyopathy. Last evaluated: 2023-11-24. Review status: criteria provided, single submitter. Criteria: Invitae Variant Classification Sherloc (09022015). Collection method: clinical testing. Allele origin: germline.
Comment: This sequence change replaces threonine, which is neutral and polar, with serine, which is neutral and polar, at codon 761 of the MYH7 protein (p.Thr761Ser). This variant is not present in population databases (gnomAD no frequency). This variant has not been reported in the literature in individuals affected with MYH7-related conditions. Advanced modeling of protein sequence and biophysical properties (such as structural, functional, and spatial information, amino acid conservation, physicochemical variation, residue mobility, and thermodynamic stability) performed at Invitae indicates that this missense variant is expected to disrupt MYH7 protein function with a positive predictive value of 95%. In summary, the available evidence is currently insufficient to determine the role of this variant in disease. Therefore, it has been classified as a Variant of Uncertain Significance.

NM_000257.4(MYH7):c.2282C>G (p.Thr761Ser)

Gene: MYH7 (myosin heavy chain 7; minus strand). Cytogenetic location: 14q11.2.
Variant type: single nucleotide variant.
Coding change: c.2282C>G on transcript NM_000257.4 (MANE Select); coding-DNA position 2282, C replaced by G.
Protein change: p.Thr761Ser; replaces threonine 761 with serine.
Molecular consequence: missense variant.
Genome position (GRCh38, 1-based): chr14:23,425,699, G>C on the plus strand (C>G on the coding strand, the complement: MYH7 is on the minus strand). VCF-style: chr14-23425699-G-C. GRCh37 (hg19) VCF-style: chr14-23894908-G-C.
Other names: c.2282C>G, p.Thr761Ser (NM_001407004.1); short protein forms T761S.
Identifiers: ClinVar variation 2698301 (VCV002698301.3), dbSNP rs1555337846, ClinGen allele CA389048745.